The following is an entry in ClinVar:

ClinVar aggregate classification (germline): Uncertain significance (1 of 4 stars; one submission).

Allele frequency attached by ClinVar (database versions not stated): gnomAD exomes below 0.00001; TOPMed below 0.00001; gnomAD 0.00001; ExAC 0.00002.
gnomAD v4.1: 2 of 1,613,890 alleles (0.00012%); highest among the groups gnomAD compares: Admixed American, 0.0017%; no homozygotes.

Submission:

Labcorp Genetics (formerly Invitae), Labcorp
Classification: Uncertain significance. Last evaluated: 2023-12-27. Review status: criteria provided, single submitter. Criteria: Invitae Variant Classification Sherloc (09022015). Collection method: clinical testing. Allele origin: germline.
Comment: This sequence change replaces histidine, which is basic and polar, with arginine, which is basic and polar, at codon 66 of the IMPG1 protein (p.His66Arg). This variant is present in population databases (rs760154192, gnomAD 0.007%). This variant has not been reported in the literature in individuals affected with IMPG1-related conditions. Algorithms developed to predict the effect of missense changes on protein structure and function output the following: SIFT: "Not Available"; PolyPhen-2: "Benign"; Align-GVGD: "Not Available". The arginine amino acid residue is found in multiple mammalian species, which suggests that this missense change does not adversely affect protein function. In summary, the available evidence is currently insufficient to determine the role of this variant in disease. Therefore, it has been classified as a Variant of Uncertain Significance.

NM_001563.4(IMPG1):c.197A>G (p.His66Arg)

Gene: IMPG1 (interphotoreceptor matrix proteoglycan 1; minus strand). Cytogenetic location: 6q14.1.
Variant type: single nucleotide variant.
Coding change: c.197A>G on transcript NM_001563.4 (MANE Select); coding-DNA position 197, A replaced by G.
Protein change: p.His66Arg; replaces histidine 66 with arginine.
Molecular consequence: missense variant. On other transcripts: intron variant (1).
Genome position (GRCh38, 1-based): chr6:76,041,997, T>C on the plus strand (A>G on the coding strand, the complement: IMPG1 is on the minus strand). VCF-style: chr6-76041997-T-C. GRCh37 (hg19) VCF-style: chr6-76751714-T-C.
Other names: c.68-7210A>G (NM_001282368.2); short protein forms H66R.
Identifiers: ClinVar variation 2994450 (VCV002994450.3), dbSNP rs760154192, ClinGen allele CA3898618.